The following is an entry in ClinVar:

NM_001042492.3(NF1):c.2679del (p.Lys893fs)

Gene: NF1 (neurofibromin 1; plus strand). Cytogenetic location: 17q11.2.
Variant type: Deletion.
Coding change: c.2679del on transcript NM_001042492.3 (MANE Select); coding-DNA position 2679, one base deleted (A; older notation c.2679delA).
Protein change: p.Lys893fs; shifts the reading frame from lysine 893.
Molecular consequence: frameshift variant.
Genome position (GRCh38, 1-based): chr17:31,229,294, A deleted; the last of 3 consecutive A bases (chr17:31,229,292-31,229,294); deleting any one gives the same sequence. VCF-style (leftmost placement, unchanged base first): chr17-31229291-CA-C. GRCh37 (hg19) VCF-style: chr17-29556309-CA-C.
Other names: c.2679delA (NM_000267.3); c.2679delA, p.Lys893Asnfs (NM_000267.4); short protein forms K893fs.
Identifiers: ClinVar variation 859970 (VCV000859970.7), dbSNP rs2067071059, ClinGen allele CA916080623.
Genomic context (GRCh38, chr17:31,229,291, plus strand): 5'-ACGTAAGGGTTCTATGATTTCAGTGATGTCTTCAGAGGGAAACGCAGATACACCTGTCAG[CA>C]AATTTATGGATCGGCTGTTGTCCTTAATGGTGTGTAACCATGAGAAAGTGGGACTTCAAA-3'

ClinVar aggregate classification (germline): Pathogenic. Review status: criteria provided, multiple submitters, no conflicts (2 of 4 stars). 2 submissions from 2 submitters: Pathogenic (2). Last evaluated 2023-05-23.

Conditions:
Hereditary cancer-predisposing syndrome. Also called: Hereditary neoplastic syndrome; Tumor predisposition; Neoplastic Syndromes, Hereditary; Hereditary Cancer Syndrome. Identifiers: Orphanet 140162, MedGen C0027672, MeSH D009386, MONDO:0015356.
Cardiovascular phenotype. Identifiers: MedGen CN230736.
Neurofibromatosis, type 1 (NF1). Also called: Neurofibromatosis, type I; VON RECKLINGHAUSEN DISEASE; Peripheral type neurofibromatosis; NEUROFIBROMATOSIS, TYPE I, SOMATIC. Identifiers: Orphanet 636, MedGen C0027831, MONDO:0018975, OMIM 162200. Disease mechanism: loss of function.

Submissions (2):

Ambry Genetics
Classification: Pathogenic for Cardiovascular phenotype; Hereditary cancer-predisposing syndrome. Last evaluated: 2023-05-23. Review status: criteria provided, single submitter. Criteria: Ambry Variant Classification Scheme 2023. Collection method: clinical testing. Allele origin: germline.
Comment: The c.2679delA pathogenic mutation, located in coding exon 21 of the NF1 gene, results from a deletion of one nucleotide at nucleotide position 2679, causing a translational frameshift with a predicted alternate stop codon (p.K893Nfs*9). This alteration has been observed in at least one individual with a personal and/or family history that is consistent with NF1-related disease (Ambry internal data). This variant is considered to be rare based on population cohorts in the Genome Aggregation Database (gnomAD). This alteration is expected to result in loss of function by premature protein truncation or nonsense-mediated mRNA decay. As such, this alteration is interpreted as a disease-causing mutation.

Labcorp Genetics (formerly Invitae), Labcorp
Classification: Pathogenic for Neurofibromatosis, type 1. Last evaluated: 2023-05-04. Review status: criteria provided, single submitter. Criteria: Invitae Variant Classification Sherloc (09022015). Collection method: clinical testing. Allele origin: germline.
Comment: For these reasons, this variant has been classified as Pathogenic. ClinVar contains an entry for this variant (Variation ID: 859970). This variant has not been reported in the literature in individuals affected with NF1-related conditions. This variant is not present in population databases (gnomAD no frequency). This sequence change creates a premature translational stop signal (p.Lys893Asnfs*9) in the NF1 gene. It is expected to result in an absent or disrupted protein product. Loss-of-function variants in NF1 are known to be pathogenic (PMID: 10712197, 23913538).

Literature cited by the submitters: PubMed 10712197 (cited by Labcorp Genetics (formerly Invitae), Labcorp); PubMed 23913538 (cited by Labcorp Genetics (formerly Invitae), Labcorp).